The following is an entry in ClinVar:

NM_152564.5(VPS13B):c.10993G>C (p.Val3665Leu)

Gene: VPS13B (vacuolar protein sorting 13 homolog B; plus strand). Cytogenetic location: 8q22.2.
Variant type: single nucleotide variant.
Coding change: c.10993G>C on transcript NM_152564.5 (MANE Select); coding-DNA position 10993, G replaced by C.
Protein change: p.Val3665Leu; replaces valine 3665 with leucine.
Molecular consequence: missense variant.
Genome position (GRCh38, 1-based): chr8:99,859,429, G>C. VCF-style: chr8-99859429-G-C. GRCh37 (hg19) VCF-style: chr8-100871657-G-C.
Other names: c.11068G>C, p.Val3690Leu (NM_017890.5); short protein forms V3665L, V3690L.
Identifiers: ClinVar variation 1354343 (VCV001354343.5), dbSNP rs151089043, ClinGen allele CA371789386.
Genomic context (GRCh38, chr8:99,859,429, plus strand): 5'-GGGGTCGCCGACTTCTTCAGGCTTCCGTATGAGGGGCTGACCCGGGGCCCTGGAGCCTTC[G>C]TGAGTGGCGTCTCCAGAGGGACCACATCGTTTGTAAAGCACATCTCCAAAGGTAGCGGGT-3'
Protein context (NP_689777.3, residues 3655-3675): EGLTRGPGAF[Val3665Leu]SGVSRGTTSF

ClinVar aggregate classification (germline): Uncertain significance (1 of 4 stars; one submission).

Conditions:
Cohen syndrome (COH1). Also called: PEPPER SYNDROME; Cutis verticis gyrata, retinitis pigmentosa, and sensorineural deafness. Identifiers: Orphanet 193, MedGen C0265223, MONDO:0008999, OMIM 216550.

gnomAD v4.1: 3 of 1,614,084 alleles (0.00019%); highest among the groups gnomAD compares: Non-Finnish European, 0.00025%; no homozygotes.

Submission:

Labcorp Genetics (formerly Invitae), Labcorp
Classification: Uncertain significance for Cohen syndrome. Last evaluated: 2022-07-16. Review status: criteria provided, single submitter. Criteria: Invitae Variant Classification Sherloc (09022015). Collection method: clinical testing. Allele origin: germline.
Comment: This sequence change replaces valine, which is neutral and non-polar, with leucine, which is neutral and non-polar, at codon 3690 of the VPS13B protein (p.Val3690Leu). This variant is not present in population databases (gnomAD no frequency). This variant has not been reported in the literature in individuals affected with VPS13B-related conditions. ClinVar contains an entry for this variant (Variation ID: 1354343). Algorithms developed to predict the effect of missense changes on protein structure and function are either unavailable or do not agree on the potential impact of this missense change (SIFT: "Not Available"; PolyPhen-2: "Benign"; Align-GVGD: "Not Available"). In summary, the available evidence is currently insufficient to determine the role of this variant in disease. Therefore, it has been classified as a Variant of Uncertain Significance.